The following continues an entry in ClinVar:

NM_000059.4(BRCA2):c.1040A>G (p.Gln347Arg)

Gene: BRCA2. ClinVar aggregate classification (germline): Benign. Benign (1).

Submissions 20 to 25 of 25:

Genome Diagnostics Laboratory, Amsterdam University Medical Center
Classification: Likely benign for Breast-ovarian cancer, familial, susceptibility to, 2. Last evaluated: 2017-05-21. Review status: no assertion criteria provided. Criteria: ACGS Guidelines, 2013. Collection method: clinical testing. Allele origin: germline. Affected: yes. Study: VKGL Data-share Consensus. Not counted in ClinVar's aggregate classification.

Sharing Clinical Reports Project (SCRP)
Classification: Likely benign for Breast-ovarian cancer, familial 2. Last evaluated: 2008-05-22. Review status: no assertion criteria provided. Collection method: clinical testing. Allele origin: germline. Not counted in ClinVar's aggregate classification.

Breast Cancer Information Core (BIC) (BRCA2)
Classification: Uncertain significance for Breast-ovarian cancer, familial 2. Last evaluated: 2004-02-20. Review status: no assertion criteria provided. Collection method: clinical testing. Allele origin: germline. Affected: yes. Observed: 9 variant alleles. Not counted in ClinVar's aggregate classification.

Clinical Genetics Laboratory, Department of Pathology, Netherlands Cancer Institute
Classification: Benign. Review status: no assertion criteria provided. Collection method: clinical testing. Allele origin: germline. Affected: yes. Study: VKGL Data-share Consensus. Not counted in ClinVar's aggregate classification.

Department of Pathology and Laboratory Medicine, Sinai Health System
Classification: Likely benign for Malignant tumor of breast. Review status: no assertion criteria provided. Collection method: clinical testing. Allele origin: unknown. Affected: yes. Study: The Canadian Open Genetics Repository (COGR). Not counted in ClinVar's aggregate classification.
Comment: The BRCA2 p.Gln347Arg variant was identified in dbSNP (ID: rs55800493) â€šÃ„ÃºWith likely benign, other alleleâ€šÃ„Ã¹, with a minor allele frequency of 0.0024 (1000 Genomes Project), Clinvitae database, the ClinVar database (classified as a â€šÃ„Ãºlikely benignâ€šÃ„Ã¹ by Invitae, Ambry Genetics, GeneDx, Emory Genetics Laboratory and Sharing Clinical Reports Project), the BIC database (9X with unknown clinical importance), and UMD (2X as an unknown variant). This variant was also identified in the Exome Variant Server project in 17 of 4400 European American alleles, and the Exome Aggregation Consortium (ExAC) database (released Jan 13, 2015) in 45 of 9928 chromosomes (frequency: 0.0045) from a population of African individuals. The variant was also found at low frequencies in Latino (8.66E-05) and European (Non-Finnish) individuals (1.51E-05), although this low number of observations and low frequency is not substantive enough to determine the prevalence of the variant in the general population and its relationship to disease. The p.Gln347 residue is not conserved in mammals and computational analyses (PolyPhen-2, SIFT, AlignGVGD, BLOSUM, MutationTaster) do not suggest a high likelihood of impact to the protein. However, this information is not predictive enough to rule out pathogenicity. The variant occurs outside of the splicing consensus sequence and in silico or computational prediction software programs (SpliceSiteFinder, MaxEntScan, NNSPLICE, GeneSplicer, HumanSpliceFinder) do not predict a difference in splicing. In summary, based on the above information, the clinical significance of this variant cannot be determined with certainty at this time. This variant is classified as likely benign.

Genome Diagnostics Laboratory, University Medical Center Utrecht
Classification: Benign. Review status: no assertion criteria provided. Collection method: clinical testing. Allele origin: germline. Affected: yes. Study: VKGL Data-share Consensus. Not counted in ClinVar's aggregate classification.

Literature cited by the submitters: PubMed 24504028 (cited by Quest Diagnostics Nichols Institute San Juan Capistrano); PubMed 18284688 (cited by Quest Diagnostics Nichols Institute San Juan Capistrano and Women's Health and Genetics/Laboratory Corporation of America, LabCorp); PubMed 20104584 (cited by 3 submitters); PubMed 21520273 (cited by Quest Diagnostics Nichols Institute San Juan Capistrano and Women's Health and Genetics/Laboratory Corporation of America, LabCorp); PubMed 23555315 (cited by Quest Diagnostics Nichols Institute San Juan Capistrano and Women's Health and Genetics/Laboratory Corporation of America, LabCorp); PubMed 25348012 (cited by Quest Diagnostics Nichols Institute San Juan Capistrano and Women's Health and Genetics/Laboratory Corporation of America, LabCorp); PubMed 26315209 (cited by Quest Diagnostics Nichols Institute San Juan Capistrano and Women's Health and Genetics/Laboratory Corporation of America, LabCorp); PubMed 36329109 (cited by Genetics Program, Instituto Nacional de Cancer).